The following is an entry in ClinVar:

NM_001352754.2(ARMC9):c.1636G>C (p.Asp546His)

Gene: ARMC9 (armadillo repeat containing 9; plus strand). Cytogenetic location: 2q37.1.
Variant type: single nucleotide variant.
Coding change: c.1636G>C on transcript NM_001352754.2 (MANE Select); coding-DNA position 1636, G replaced by C.
Protein change: p.Asp546His; replaces aspartic acid 546 with histidine.
Molecular consequence: missense variant. On other transcripts: non-coding transcript variant (1).
Genome position (GRCh38, 1-based): chr2:231,291,362, G>C. VCF-style: chr2-231291362-G-C. GRCh37 (hg19) VCF-style: chr2-232156075-G-C.
Other names: c.1636G>C, p.Asp546His (NM_001271466.4, NM_001291656.2, NM_001352755.2 and 3 more transcripts); c.1537G>C, p.Asp513His (NM_001352757.2, NM_001352758.2); short protein forms D513H, D546H.
Identifiers: ClinVar variation 2778823 (VCV002778823.3), dbSNP rs774369701, ClinGen allele CA2160429.

ClinVar aggregate classification (germline): Uncertain significance (1 of 4 stars; one submission).

Allele frequency attached by ClinVar (database versions not stated): TOPMed below 0.00001; gnomAD 0.00001; ExAC 0.00002; gnomAD exomes 0.00001.

Submission:

Labcorp Genetics (formerly Invitae), Labcorp
Classification: Uncertain significance. Last evaluated: 2025-09-02. Review status: criteria provided, single submitter. Criteria: Invitae Variant Classification Sherloc (09022015). Collection method: clinical testing. Allele origin: germline.
Comment: This sequence change replaces aspartic acid, which is acidic and polar, with histidine, which is basic and polar, at codon 546 of the ARMC9 protein (p.Asp546His). This variant is present in population databases (rs774369701, gnomAD 0.002%). This variant has not been reported in the literature in individuals affected with ARMC9-related conditions. ClinVar contains an entry for this variant (Variation ID: 2778823). Experimental studies and prediction algorithms are not available or were not evaluated, and the functional significance of this variant is currently unknown. In summary, the available evidence is currently insufficient to determine the role of this variant in disease. Therefore, it has been classified as a Variant of Uncertain Significance.